The following is an entry in ClinVar:

ClinVar aggregate classification (germline): Uncertain significance (0 of 4 stars; one submission).

Conditions:
SEMA3F-related disorder. Also called: SEMA3F-related condition.

gnomAD v4.1: 1 of 1,585,722 alleles (0.000063%); no homozygotes.

Submission:

PreventionGenetics, part of Exact Sciences
Classification: Uncertain significance for SEMA3F-related condition. Last evaluated: 2024-03-25. Review status: no assertion criteria provided. Collection method: clinical testing. Allele origin: germline.
Comment: The SEMA3F c.549+1G>A variant is predicted to disrupt the GT donor site and interfere with normal splicing. To our knowledge, this variant has not been reported in the literature or in a large population database, indicating this variant is rare. At this time, the clinical significance of this variant is uncertain due to the absence of conclusive functional and genetic evidence.

NM_004186.5(SEMA3F):c.549+1G>A

Gene: SEMA3F (semaphorin 3F; plus strand). Cytogenetic location: 3p21.31.
Variant type: single nucleotide variant.
Coding change: c.549+1G>A on transcript NM_004186.5 (MANE Select); the canonical splice donor site of the intron after coding-DNA position 549, G replaced by A.
Molecular consequence: splice donor variant. On other transcripts: intron variant (2).
Genome position (GRCh38, 1-based): chr3:50,175,189, G>A. VCF-style: chr3-50175189-G-A. GRCh37 (hg19) VCF-style: chr3-50212622-G-A.
Other names: c.252+839G>A (NM_001318798.2); c.456+839G>A (NM_001318800.2).
Identifiers: ClinVar variation 3349298 (VCV003349298.1).
Genomic context (GRCh38, chr3:50,175,189, plus strand): 5'-GGCCGCGGCAGCAGAGCCACGGATGGTGCCCTCCGCCCGATGCCCACAGCCCCACGCCAG[G>A]TGGGCCTCATCCCTCCAGGCCTTTGCCAGGCAGCACTGCCTCTGAGCGGAACTCACCCTG-3'